The following is an entry in ClinVar:

ClinVar aggregate classification (germline): Uncertain significance (1 of 4 stars; one submission).

Submission:

Labcorp Genetics (formerly Invitae), Labcorp
Classification: Uncertain significance. Last evaluated: 2025-07-07. Review status: criteria provided, single submitter. Criteria: Invitae Variant Classification Sherloc (09022015). Collection method: clinical testing. Allele origin: germline.
Comment: This variant, c.1914_1919del, results in the deletion of 2 amino acid(s) of the TNFAIP3 protein (p.Ala639_Ala640del), but otherwise preserves the integrity of the reading frame. This variant is present in population databases (rs770440355, gnomAD 0.01%). This variant has not been reported in the literature in individuals affected with TNFAIP3-related conditions. Experimental studies and prediction algorithms are not available or were not evaluated, and the functional significance of this variant is currently unknown. In summary, the available evidence is currently insufficient to determine the role of this variant in disease. Therefore, it has been classified as a Variant of Uncertain Significance.

NM_001270508.2(TNFAIP3):c.1911TGC[1] (p.Ala639_Ala640del)

Gene: TNFAIP3 (TNF alpha induced protein 3; plus strand). Cytogenetic location: 6q23.3.
Variant type: Microsatellite.
Coding change: c.1911TGC[1] on transcript NM_001270508.2 (MANE Select); one copy of the 3-base unit TGC starting at c.1911; the reference has three copies in a row; two copies, 6 bases deleted.
Protein change: p.Ala639_Ala640del.
Molecular consequence: inframe deletion.
Genome position (GRCh38, 1-based): chr6:137,880,078-137,880,083, TGCTGC deleted; deleting any 6 consecutive bases within chr6:137,880,075-137,880,083 gives the same sequence; the position shown is the placement nearest the transcript's 3' end. VCF-style (leftmost placement, unchanged base first): chr6-137880074-TTGCTGC-T. GRCh37 (hg19) VCF-style: chr6-138201211-TTGCTGC-T.
Other names: c.1911TGC[1], p.Ala639_Ala640del (NM_001270507.2, NM_006290.4).
Identifiers: ClinVar variation 1939243 (VCV001939243.5), dbSNP rs770440355, ClinGen allele CA4019752.